The following is an entry in ClinVar:

ClinVar aggregate classification (germline): Likely benign. Review status: criteria provided, single submitter (1 of 4 stars). 2 submissions from 2 submitters: Likely benign (1). 1 of the submissions does not count toward it. Last evaluated 2025-08-14.

Conditions:
SUCLA2-related disorder. Also called: SUCLA2-related condition.
Mitochondrial DNA depletion syndrome, encephalomyopathic form with methylmalonic aciduria (MTDPS5). Also called: MITOCHONDRIAL DNA DEPLETION SYNDROME, ENCEPHALOMYOPATHIC FORM, WITH OR WITHOUT METHYLMALONIC ACIDURIA, AUTOSOMAL RECESSIVE, SUCLA2-RELATED; Mitochondrial DNA depletion syndrome 5 (encephalomyopathic with or without methylmalonic aciduria); Mitochondrial encephalomyopathy aminoacidopathy; SUCLA2-Related Mitochondrial DNA Depletion Syndrome, Encephalomyopathic Form with Methylmalonic Aciduria. Identifiers: Orphanet 1933, MedGen C5980207, MONDO:0012791, OMIM 612073.

Allele frequency attached by ClinVar (database versions not stated): ExAC 0.00001; gnomAD exomes 0.00007; ESP Exome Variant Server 0.00008.
gnomAD v4.1: 93 of 1,613,042 alleles (0.0058%); highest among the groups gnomAD compares: Non-Finnish European, 0.0078%; no homozygotes.

Submissions (2):

Labcorp Genetics (formerly Invitae), Labcorp
Classification: Likely benign for Mitochondrial DNA depletion syndrome, encephalomyopathic form with methylmalonic aciduria. Last evaluated: 2025-08-14. Review status: criteria provided, single submitter. Criteria: Invitae Variant Classification Sherloc (09022015). Collection method: clinical testing. Allele origin: germline.

PreventionGenetics, part of Exact Sciences
Classification: Likely benign for SUCLA2-related condition. Last evaluated: 2023-05-09. Review status: no assertion criteria provided. Collection method: clinical testing. Allele origin: germline. Not counted in ClinVar's aggregate classification.
Comment: This variant is classified as likely benign based on ACMG/AMP sequence variant interpretation guidelines (Richards et al. 2015 PMID: 25741868, with internal and published modifications).

NM_003850.3(SUCLA2):c.1108-9T>C

Gene: SUCLA2 (succinate-CoA ligase ADP-forming subunit beta; minus strand). Cytogenetic location: 13q14.2.
Variant type: single nucleotide variant.
Coding change: c.1108-9T>C on transcript NM_003850.3 (MANE Select); 9 bases into the intron before coding-DNA position 1108, T replaced by C.
Molecular consequence: intron variant.
Genome position (GRCh38, 1-based): chr13:47,949,612, A>G on the plus strand (T>C on the coding strand, the complement: SUCLA2 is on the minus strand). VCF-style: chr13-47949612-A-G. GRCh37 (hg19) VCF-style: chr13-48523747-A-G.
Other names: c.1108-9T>C (NM_003850.2).
Identifiers: ClinVar variation 2719612 (VCV002719612.5), dbSNP rs368590927, ClinGen allele CA6977836.